The following is an entry in ClinVar:

NM_000388.4(CASR):c.2158G>A (p.Gly720Arg)

Gene: CASR (calcium sensing receptor; plus strand). Cytogenetic location: 3q21.1.
Variant type: single nucleotide variant.
Coding change: c.2158G>A on transcript NM_000388.4 (MANE Select); coding-DNA position 2158, G replaced by A.
Protein change: p.Gly720Arg; replaces glycine 720 with arginine.
Molecular consequence: missense variant.
Genome position (GRCh38, 1-based): chr3:122,284,112, G>A. VCF-style: chr3-122284112-G-A. GRCh37 (hg19) VCF-style: chr3-122002959-G-A.
Other names: c.2188G>A, p.Gly730Arg (NM_001178065.2); short protein forms G730R, G720R.
Identifiers: ClinVar variation 1047004 (VCV001047004.9), dbSNP rs2074932631, ClinGen allele CA354158831.

ClinVar aggregate classification (germline): Uncertain significance (1 of 4 stars; one submission).

Conditions:
Familial hypocalciuric hypercalcemia (FHH). Also called: Familial benign hypercalcemia. Identifiers: Orphanet 405, MedGen C1809471, MONDO:0018458.
Autosomal dominant hypocalcemia 1 (HYPOC1). Also called: HYPOCALCEMIA, FAMILIAL. Identifiers: MedGen C3715128, MONDO:0011013, OMIM 601198.

gnomAD v4.1: 2 of 1,614,070 alleles (0.00012%); highest among the groups gnomAD compares: East Asian, 0.0022%; no homozygotes.

Submission:

Labcorp Genetics (formerly Invitae), Labcorp
Classification: Uncertain significance for Familial hypocalciuric hypercalcemia; Autosomal dominant hypocalcemia 1. Last evaluated: 2020-05-26. Review status: criteria provided, single submitter. Criteria: Invitae Variant Classification Sherloc (09022015). Collection method: clinical testing. Allele origin: germline.
Comment: In summary, the available evidence is currently insufficient to determine the role of this variant in disease. Therefore, it has been classified as a Variant of Uncertain Significance. Algorithms developed to predict the effect of missense changes on protein structure and function (SIFT, PolyPhen-2, Align-GVGD) all suggest that this variant is likely to be disruptive, but these predictions have not been confirmed by published functional studies and their clinical significance is uncertain. This variant has not been reported in the literature in individuals with CASR-related conditions. This variant is not present in population databases (ExAC no frequency). This sequence change replaces glycine with arginine at codon 720 of the CASR protein (p.Gly720Arg). The glycine residue is highly conserved and there is a moderate physicochemical difference between glycine and arginine.